The following is an entry in ClinVar:

NM_005219.5(DIAPH1):c.1741C>T (p.Pro581Ser)

Gene: DIAPH1 (diaphanous related formin 1; minus strand). Cytogenetic location: 5q31.3.
Variant type: single nucleotide variant.
Coding change: c.1741C>T on transcript NM_005219.5 (MANE Select); coding-DNA position 1741, C replaced by T.
Protein change: p.Pro581Ser; replaces proline 581 with serine.
Molecular consequence: missense variant.
Genome position (GRCh38, 1-based): chr5:141,574,109, G>A on the plus strand (C>T on the coding strand, the complement: DIAPH1 is on the minus strand). VCF-style: chr5-141574109-G-A. GRCh37 (hg19) VCF-style: chr5-140953676-G-A.
Other names: c.1714C>T, p.Pro572Ser (NM_001079812.3); c.1741C>T, p.Pro581Ser (NM_001314007.2); short protein forms P572S, P581S.
Identifiers: ClinVar variation 1466888 (VCV001466888.6), dbSNP rs772634604, ClinGen allele CA3479221.

ClinVar aggregate classification (germline): Uncertain significance (1 of 4 stars; one submission).

Conditions:
Autosomal dominant nonsyndromic hearing loss 1. Also called: DEAFNESS, AUTOSOMAL DOMINANT 1, WITH OR WITHOUT THROMBOCYTOPENIA; KONIGSMARK SYNDROME. Identifiers: Orphanet 90635, MedGen C1852282, MONDO:0007424, OMIM 124900.
Progressive microcephaly-seizures-cortical blindness-developmental delay syndrome. Also called: Seizures, cortical blindness, and microcephaly syndrome. Identifiers: Orphanet 477814, MedGen C5567650, MONDO:0014714, OMIM 616632.

Allele frequency attached by ClinVar (database versions not stated): gnomAD exomes below 0.00001; ExAC 0.00001; gnomAD 0.00001.

Submission:

Labcorp Genetics (formerly Invitae), Labcorp
Classification: Uncertain significance for Progressive microcephaly-seizures-cortical blindness-developmental delay syndrome; Autosomal dominant nonsyndromic hearing loss 1. Last evaluated: 2021-10-20. Review status: criteria provided, single submitter. Criteria: Invitae Variant Classification Sherloc (09022015). Collection method: clinical testing. Allele origin: germline.
Comment: This sequence change replaces proline with serine at codon 581 of the DIAPH1 protein (p.Pro581Ser). The proline residue is weakly conserved and there is a moderate physicochemical difference between proline and serine. This variant is present in population databases (rs772634604, ExAC 0.006%). This variant has not been reported in the literature in individuals affected with DIAPH1-related conditions. Algorithms developed to predict the effect of missense changes on protein structure and function output the following: SIFT: "Tolerated"; PolyPhen-2: "Not Available"; Align-GVGD: "Class C0". The serine amino acid residue is found in multiple mammalian species, which suggests that this missense change does not adversely affect protein function. In summary, the available evidence is currently insufficient to determine the role of this variant in disease. Therefore, it has been classified as a Variant of Uncertain Significance.